The following is an entry in ClinVar:

NM_000038.6(APC):c.310dup (p.Ser104fs)

Gene: APC (APC regulator of Wnt signaling pathway; plus strand). Cytogenetic location: 5q22.2.
Variant type: Duplication.
Coding change: c.310dup on transcript NM_000038.6 (MANE Select); coding-DNA position 310, one base duplicated (T; older notation c.310dupT).
Protein change: p.Ser104fs; shifts the reading frame from serine 104.
Molecular consequence: frameshift variant. On other transcripts: 5 prime UTR variant (4), non-coding transcript variant (2).
Genome position (GRCh38, 1-based): chr5:112,767,278, T duplicated. VCF-style (leftmost placement, unchanged base first): chr5-112767277-A-AT. GRCh37 (hg19) VCF-style: chr5-112102974-A-AT.
Other names: c.340dup, p.Ser114fs (NM_001354902.2, NM_001407446.1, NM_001127511.3 and 1 more transcripts); c.310dup, p.Ser104fs (NM_001354903.2, NM_001407447.1, NM_001407448.1 and 16 more transcripts); c.235dup, p.Ser79fs (NM_001354904.2, NM_001354898.2, NM_001407451.1); c.-726dup (NM_001354906.2, NM_001407470.1, NM_001407471.1 and 1 more transcripts); c.133dup, p.Ser45fs (NM_001354905.2, NM_001354900.2, NM_001354901.2 and 1 more transcripts); short protein forms S104fs, S114fs, S45fs, S79fs.
Identifiers: ClinVar variation 2584126 (VCV002584126.2), dbSNP rs2532295635, ClinGen allele CA2582341275.
Genomic context (GRCh38, chr5:112,767,277, plus strand): 5'-TGGAGTAAAACTGCGGTCAAAAATGTCCCTCCGTTCTTATGGAAGCCGGGAAGGATCTGT[A>AT]TCAAGCCGTTCTGGAGAGTGCAGTCCTGTTCCTATGGGTTCATTTCCAAGAAGAGGGTTT-3'

ClinVar aggregate classification (germline): Pathogenic (1 of 4 stars; one submission).

Conditions:
Familial adenomatous polyposis 1 (FAP1). Also called: FAMILIAL ADENOMATOUS POLYPOSIS 1, ATTENUATED; POLYPOSIS, ADENOMATOUS INTESTINAL. Identifiers: MedGen C2713442, MONDO:0021056, OMIM 175100. Disease mechanism: loss of function.

Submission:

Myriad Genetics, Inc.
Classification: Pathogenic for Familial adenomatous polyposis 1. Last evaluated: 2023-04-25. Review status: criteria provided, single submitter. Criteria: Myriad Autosomal Dominant, Autosomal Recessive and X-Linked Classification Criteria (2023). Collection method: clinical testing. Allele origin: unknown.
Comment: This variant is considered pathogenic. This variant creates a frameshift predicted to result in premature protein truncation.